The following is an entry in ClinVar:

ClinVar aggregate classification (germline): Uncertain significance. Review status: criteria provided, single submitter (1 of 4 stars). 2 submissions from 2 submitters: Uncertain significance (1). 1 of the submissions does not count toward it. Last evaluated 2017-08-09.

Conditions:
Ataxia-telangiectasia-like disorder 1 (ATLD1). Identifiers: Orphanet 251347, MedGen C4012790, MONDO:0024557, OMIM 604391.

Allele frequency attached by ClinVar (database versions not stated): gnomAD 0.00009 and 0.00012; gnomAD exomes 0.00019.
gnomAD v4.1: 29 of 204,510 alleles (0.014%); highest among the groups gnomAD compares: Middle Eastern, 0.33%; no homozygotes.

Submissions (2):

Illumina Laboratory Services, Illumina
Classification: Uncertain significance for Ataxia-telangiectasia-like disorder 1. Last evaluated: 2017-08-09. Review status: criteria provided, single submitter. Criteria: ICSL Variant Classification Criteria 13 December 2019. Collection method: clinical testing. Allele origin: germline.
Comment: This variant was observed as part of a predisposition screen in an ostensibly healthy population. A literature search was performed for the gene, cDNA change, and amino acid change (where applicable). Publications were found based on this search. However, the evidence from the literature, in combination with allele frequency data from public databases where available, was not sufficient to rule this variant in or out of causing disease. Therefore, this variant is classified as a variant of unknown significance.

Harris Lab, University of Minnesota
No classification provided. Review status: no classification provided. Collection method: not provided. Allele origin: unknown. Not counted in ClinVar's aggregate classification.

Literature cited by the submitters: PubMed 20805886 (cited by Illumina Laboratory Services, Illumina).

NM_005591.4(MRE11):c.*656T>C

Gene: MRE11 (MRE11 homolog, double strand break repair nuclease; minus strand). Cytogenetic location: 11q21.
Variant type: single nucleotide variant.
Coding change: c.*656T>C on transcript NM_005591.4 (MANE Select); 656 bases downstream of the stop codon, T replaced by C.
Molecular consequence: 3 prime UTR variant.
Genome position (GRCh38, 1-based): chr11:94,419,469, A>G on the plus strand (T>C on the coding strand, the complement: MRE11 is on the minus strand). VCF-style: chr11-94419469-A-G. GRCh37 (hg19) VCF-style: chr11-94152635-A-G.
Other names: c.*656T>C (NM_001330347.2, NM_005590.4).
Identifiers: ClinVar variation 127023 (VCV000127023.5), dbSNP rs104895009, ClinGen allele CA230746.